The following is an entry in ClinVar:

NM_174936.4(PCSK9):c.*1052C>T

Gene: PCSK9 (proprotein convertase subtilisin/kexin type 9; plus strand). Cytogenetic location: 1p32.3.
Variant type: single nucleotide variant.
Coding change: c.*1052C>T on transcript NM_174936.4 (MANE Select); 1052 bases downstream of the stop codon, C replaced by T.
Molecular consequence: 3 prime UTR variant.
Genome position (GRCh38, 1-based): chr1:55,064,636, C>T. VCF-style: chr1-55064636-C-T. GRCh37 (hg19) VCF-style: chr1-55530309-C-T.
Other names: c.*1052C>T (NM_001407240.1, NM_001407241.1, NM_001407242.1 and 5 more transcripts).
Identifiers: ClinVar variation 297742 (VCV000297742.37), dbSNP rs149837083, ClinGen allele CA10610203.
Genomic context (GRCh38, chr1:55,064,636, plus strand): 5'-TTTTCCGTTATCACCCAGGCCTGATTCACTGGCCTGGCGGAGATGCTTCTAAGGCATGGT[C>T]GGGGGAGAGGGCCAACAACTGTCCCTCCTTGAGCACCAGCCCCACCCAAGCAAGCAGACA-3'

ClinVar aggregate classification (germline): Conflicting classifications of pathogenicity. Review status: criteria provided, conflicting classifications (1 of 4 stars). 4 submissions from 3 submitters: Uncertain significance (3); Likely benign (1). Last evaluated 2026-08-22.

Conditions:
Hypobetalipoproteinemia. Identifiers: Orphanet 31154, MedGen C0020597, MONDO:0017774.
Hypercholesterolemia, autosomal dominant, 3 (FHCL3). Also called: Familial Hypercholesterolemia, Autosomal Dominant, 3; PCSK9-Related Familial Hypercholesterolemia, Autosomal Dominant; Familial hypercholesterolemia 3. Identifiers: MedGen C1863551, MONDO:0011369, OMIM 603776.

Allele frequency attached by ClinVar (database versions not stated): 1000 Genomes Project 0.00060; gnomAD 0.00072 and 0.00079; TOPMed 0.00078.

Submissions (4):

GeneDx
Classification: Uncertain significance. Last evaluated: 2026-08-22. Review status: criteria provided, single submitter. Criteria: GeneDx Variant Classification Process June 2021. Collection method: clinical testing. Allele origin: germline.
Comment: Reported in the heterozygous state in one individual in a familial hypercholesterolemia cohort, however patient specific clinical information was not provided (PMID: 37217153); Located in a regulatory region; in the absence of functional studies, the actual effect of this sequence change is unknown; This variant is associated with the following publications: (PMID: 37217153)

CeGaT Center for Human Genetics Tuebingen
Classification: Likely benign. Last evaluated: 2026-05-01. Review status: criteria provided, single submitter. Criteria: CeGaT Center For Human Genetics Tuebingen Variant Classification Criteria Version 2. Collection method: clinical testing. Allele origin: germline. Affected: yes. Observed: 6 variant alleles.
Comment: PCSK9: BS1

Illumina Laboratory Services, Illumina
Classification: Uncertain significance for Hypobetalipoproteinemia. Last evaluated: 2018-01-12. Review status: criteria provided, single submitter. Criteria: ICSL Variant Classification Criteria 13 December 2019. Collection method: clinical testing. Allele origin: germline.

Illumina Laboratory Services, Illumina
Classification: Uncertain significance for Hypercholesterolemia, autosomal dominant, 3. Last evaluated: 2018-01-12. Review status: criteria provided, single submitter. Criteria: ICSL Variant Classification Criteria 13 December 2019. Collection method: clinical testing. Allele origin: germline.